The following is an entry in ClinVar:

NM_000452.3(SLC10A2):c.829T>C (p.Ser277Pro)

Gene: SLC10A2 (solute carrier family 10 member 2; minus strand). Cytogenetic location: 13q33.1.
Variant type: single nucleotide variant.
Coding change: c.829T>C on transcript NM_000452.3 (MANE Select); coding-DNA position 829, T replaced by C.
Protein change: p.Ser277Pro; replaces serine 277 with proline.
Molecular consequence: missense variant.
Genome position (GRCh38, 1-based): chr13:103,049,379, A>G on the plus strand (T>C on the coding strand, the complement: SLC10A2 is on the minus strand). VCF-style: chr13-103049379-A-G. GRCh37 (hg19) VCF-style: chr13-103701729-A-G.
Other names: short protein forms S277P.
Identifiers: ClinVar variation 2121382 (VCV002121382.5), dbSNP rs769930944, ClinGen allele CA388605854.
Genomic context (GRCh38, chr13:103,049,379, plus strand): 5'-GGAAAATGCTGTAGATGAGCGGGAAGGTGAATACGACATTGAGCTCCTCAGGAGTGAAGG[A>G]GAGCTGAACGATGGTGGAACATAGCTGCGTGTTCTGCATCCCCGTTTCAAAAGCAACCGT-3'
Protein context (NP_000443.2, residues 267-287): TQLCSTIVQL[Ser277Pro]FTPEELNVVF

ClinVar aggregate classification (germline): Uncertain significance. Review status: criteria provided, multiple submitters, no conflicts (2 of 4 stars). 2 submissions from 2 submitters: Uncertain significance (2). Last evaluated 2022-04-20.

Allele frequency attached by ClinVar (database versions not stated): TOPMed below 0.00001; gnomAD 0.00001.
gnomAD v4.1: 16 of 1,613,954 alleles (0.00099%); highest among the groups gnomAD compares: East Asian, 0.036%; no homozygotes.

Submissions (2):

Labcorp Genetics (formerly Invitae), Labcorp
Classification: Uncertain significance. Last evaluated: 2022-04-20. Review status: criteria provided, single submitter. Criteria: Invitae Variant Classification Sherloc (09022015). Collection method: clinical testing. Allele origin: germline.
Comment: In summary, the available evidence is currently insufficient to determine the role of this variant in disease. Therefore, it has been classified as a Variant of Uncertain Significance. Algorithms developed to predict the effect of missense changes on protein structure and function are either unavailable or do not agree on the potential impact of this missense change (SIFT: "Deleterious"; PolyPhen-2: "Probably Damaging"; Align-GVGD: "Class C0"). This variant has not been reported in the literature in individuals affected with SLC10A2-related conditions. This variant is not present in population databases (gnomAD no frequency). This sequence change replaces serine, which is neutral and polar, with proline, which is neutral and non-polar, at codon 277 of the SLC10A2 protein (p.Ser277Pro).

Ambry Genetics
Classification: Uncertain significance. Last evaluated: 2021-08-23. Review status: criteria provided, single submitter. Criteria: Ambry Variant Classification Scheme 2023. Collection method: clinical testing. Allele origin: germline.